The following is an entry in ClinVar:

ClinVar aggregate classification (germline): Uncertain significance (1 of 4 stars; one submission).

Submission:

GeneDx
Classification: Uncertain significance. Last evaluated: 2018-01-09. Review status: criteria provided, single submitter. Criteria: GeneDx Variant Classification (06012015). Collection method: clinical testing. Allele origin: germline. Affected: yes.
Comment: The S1259P variant has not been published as a pathogenic variant, nor has it been reported as a benign variant to our knowledge. The variant is not observed in large population cohorts (Lek et al., 2016). S1259P is a non-conservative amino acid substitution, which is likely to impact secondary protein structure as these residues differ in polarity, charge, size and/or other properties. In-silico analyses, including protein predictors and evolutionary conservation, support a deleterious effect. In summary, based on the currently available information, it is unclear whether this variant is a pathogenic variant or a rare benign variant.

NM_144670.6(A2ML1):c.3775T>C (p.Ser1259Pro)

Gene: A2ML1 (alpha-2-macroglobulin like 1; plus strand). Cytogenetic location: 12p13.31.
Variant type: single nucleotide variant.
Coding change: c.3775T>C on transcript NM_144670.6 (MANE Select); coding-DNA position 3775, T replaced by C.
Protein change: p.Ser1259Pro; replaces serine 1259 with proline.
Molecular consequence: missense variant.
Genome position (GRCh38, 1-based): chr12:8,867,899, T>C. VCF-style: chr12-8867899-T-C. GRCh37 (hg19) VCF-style: chr12-9020495-T-C.
Other names: c.2302T>C, p.Ser768Pro (NM_001282424.3); short protein forms S1259P, S768P.
Identifiers: ClinVar variation 561718 (VCV000561718.1), dbSNP rs1565492493, ClinGen allele CA383843992.
Genomic context (GRCh38, chr12:8,867,899, plus strand): 5'-CAGGATACTGTAGTTGCTCTCCAAGCTCTTGCCAAATATGCCACTACCGCCTACATGCCA[T>C]CTGAGGAGATCAACCTGGTTGTAAAATCCACTGAGAATTTCCAGCGCACATTCAACATAC-3'
Protein context (NP_653271.3, residues 1249-1269): AKYATTAYMP[Ser1259Pro]EEINLVVKST